The following is an entry in ClinVar:

ClinVar aggregate classification (germline): Likely benign. Review status: criteria provided, multiple submitters, no conflicts (2 of 4 stars). 5 submissions from 5 submitters: Likely benign (5). Last evaluated 2025-11-20.

Conditions:
Cardiovascular phenotype. Identifiers: MedGen CN230736.
FLNC-related disorder. Also called: FLNC-related condition; FLNC-related disorders.
Myofibrillar myopathy 5. Also called: Filaminopathy (type); FILAMINOPATHY, AUTOSOMAL DOMINANT. Identifiers: Orphanet 171445, MedGen C1836050, MONDO:0012289, OMIM 609524.
Hypertrophic cardiomyopathy 26. Also called: Cardiomyopathy, familial hypertrophic, 26. Identifiers: Orphanet 75249, MedGen C4310749, MONDO:0014883, OMIM 617047.
Distal myopathy with posterior leg and anterior hand involvement. Also called: WILLIAMS DISTAL MYOPATHY. Identifiers: Orphanet 63273, MedGen C3279722, MONDO:0013550, OMIM 614065.

Allele frequency attached by ClinVar (database versions not stated): gnomAD exomes 0.00001 and 0.00002; ExAC 0.00002; TOPMed 0.00002; gnomAD 0.00003.
gnomAD v4.1: 15 of 1,613,838 alleles (0.00093%); highest among the groups gnomAD compares: Admixed American, 0.005%; no homozygotes.

Submissions (5):

PreventionGenetics, part of Exact Sciences
Classification: Likely benign for FLNC-related condition. Last evaluated: 2025-11-20. Review status: criteria provided, single submitter. Criteria: ACMG Guidelines, 2015. Collection method: clinical testing. Allele origin: germline.
Comment: This variant is classified as likely benign based on ACMG/AMP sequence variant interpretation guidelines (Richards et al. 2015 PMID: 25741868, with internal and published modifications).

Labcorp Genetics (formerly Invitae), Labcorp
Classification: Likely benign for Distal myopathy with posterior leg and anterior hand involvement; Myofibrillar myopathy 5; Hypertrophic cardiomyopathy 26. Last evaluated: 2025-09-13. Review status: criteria provided, single submitter. Criteria: Invitae Variant Classification Sherloc (09022015). Collection method: clinical testing. Allele origin: germline.

Molecular Diagnostic Laboratory for Inherited Cardiovascular Disease, Montreal Heart Institute
Classification: Likely benign. Last evaluated: 2025-04-09. Review status: criteria provided, single submitter. Criteria: ACMG Guidelines, 2015. Collection method: clinical testing. Allele origin: germline. Affected: no.
Comment: BP6;BP7

CeGaT Center for Human Genetics Tuebingen
Classification: Likely benign. Last evaluated: 2022-08-01. Review status: criteria provided, single submitter. Criteria: CeGaT Center For Human Genetics Tuebingen Variant Classification Criteria Version 2. Collection method: clinical testing. Allele origin: germline. Affected: yes. Observed: 1 variant allele.
Comment: FLNC: BP4, BP7

Ambry Genetics
Classification: Likely benign for Cardiovascular phenotype. Last evaluated: 2021-05-03. Review status: criteria provided, single submitter. Criteria: Ambry Variant Classification Scheme 2023. Collection method: clinical testing. Allele origin: germline.

NM_001458.5(FLNC):c.3063G>A (p.Ala1021=)

Gene: FLNC (filamin C; plus strand). Cytogenetic location: 7q32.1.
Variant type: single nucleotide variant.
Coding change: c.3063G>A on transcript NM_001458.5 (MANE Select); coding-DNA position 3063, G replaced by A.
Protein change: p.Ala1021=; no amino-acid change (alanine 1021 retained).
Molecular consequence: synonymous variant.
Genome position (GRCh38, 1-based): chr7:128,844,137, G>A. VCF-style: chr7-128844137-G-A. GRCh37 (hg19) VCF-style: chr7-128484191-G-A.
Other names: c.3063G>A, p.Ala1021= (NM_001127487.2).
Identifiers: ClinVar variation 1144497 (VCV001144497.37), dbSNP rs774361595, ClinGen allele CA4474946.
Genomic context (GRCh38, chr7:128,844,137, plus strand): 5'-GCGGATGACTTCGCCCTCTCGCCGGCCCATCCCCTGCAAGCTGGAGCCAGGCGGTGGAGC[G>A]GAAGCCCAGGCTGTGCGCTACATGCCCCCGGAGGAGGGGCCCTACAAGGTGGATATCACC-3'
Protein context (NP_001449.3, residues 1011-1031): IPCKLEPGGG[Ala1021=]EAQAVRYMPP